The following is an entry in ClinVar:

ClinVar aggregate classification (germline): Uncertain significance (1 of 4 stars; one submission).

Conditions:
Lowe syndrome (OCRL). Also called: LOWE OCULOCEREBRORENAL SYNDROME; PHOSPHATIDYLINOSITOL 4,5-BISPHOSPHATE 5-PHOSPHATASE DEFICIENCY; Oculocerebrorenal Syndrome. Identifiers: Orphanet 534, MedGen C0028860, MONDO:0010645, OMIM 309000.

gnomAD v4.1: 1 of 1,209,999 alleles (0.000083%); highest among the groups gnomAD compares: Non-Finnish European, 0.00011%; no homozygotes.

Submission:

Labcorp Genetics (formerly Invitae), Labcorp
Classification: Uncertain significance for Lowe syndrome. Last evaluated: 2024-11-21. Review status: criteria provided, single submitter. Criteria: Invitae Variant Classification Sherloc (09022015). Collection method: clinical testing. Allele origin: germline.
Comment: This sequence change replaces cysteine, which is neutral and slightly polar, with glycine, which is neutral and non-polar, at codon 428 of the OCRL protein (p.Cys428Gly). This variant is not present in population databases (gnomAD no frequency). This variant has not been reported in the literature in individuals affected with OCRL-related conditions. Invitae Evidence Modeling of protein sequence and biophysical properties (such as structural, functional, and spatial information, amino acid conservation, physicochemical variation, residue mobility, and thermodynamic stability) indicates that this missense variant is not expected to disrupt OCRL protein function with a negative predictive value of 80%. In summary, the available evidence is currently insufficient to determine the role of this variant in disease. Therefore, it has been classified as a Variant of Uncertain Significance.

NM_000276.4(OCRL):c.1282T>G (p.Cys428Gly)

Gene: OCRL (OCRL inositol polyphosphate-5-phosphatase; plus strand). Cytogenetic location: Xq26.1.
Variant type: single nucleotide variant.
Coding change: c.1282T>G on transcript NM_000276.4 (MANE Select); coding-DNA position 1282, T replaced by G.
Protein change: p.Cys428Gly; replaces cysteine 428 with glycine.
Molecular consequence: missense variant.
Genome position (GRCh38, 1-based): chrX:129,565,809, T>G. VCF-style: chrX-129565809-T-G. GRCh37 (hg19) VCF-style: chrX-128699786-T-G.
Other names: c.1285T>G, p.Cys429Gly (NM_001318784.2); c.1282T>G, p.Cys428Gly (NM_001587.4); short protein forms C429G, C428G.
Identifiers: ClinVar variation 3666511 (VCV003666511.2).